The following is an entry in ClinVar:

ClinVar aggregate classification (germline): Uncertain significance. Review status: criteria provided, multiple submitters, no conflicts (2 of 4 stars). 2 submissions from 2 submitters: Uncertain significance (2). Last evaluated 2025-01-25.

Conditions:
Inborn genetic diseases. Identifiers: MedGen C0950123, MeSH D030342.

Allele frequency attached by ClinVar (database versions not stated): gnomAD exomes below 0.00001; gnomAD 0.00001.
gnomAD v4.1: 7 of 1,613,794 alleles (0.00043%); highest among the groups gnomAD compares: Non-Finnish European, 0.00059%; no homozygotes.

Submissions (2):

Ambry Genetics
Classification: Uncertain significance for Inborn genetic diseases. Last evaluated: 2025-01-25. Review status: criteria provided, single submitter. Criteria: Ambry Variant Classification Scheme 2023. Collection method: clinical testing. Allele origin: germline.
Comment: The p.P65S variant (also known as c.193C>T), located in coding exon 2 of the ERCC6L2 gene, results from a C to T substitution at nucleotide position 193. The proline at codon 65 is replaced by serine, an amino acid with similar properties. This amino acid position is conserved. In addition, this alteration is predicted to be tolerated by in silico analysis. Based on the available evidence, the clinical significance of this variant remains unclear.

Labcorp Genetics (formerly Invitae), Labcorp
Classification: Uncertain significance. Last evaluated: 2022-08-19. Review status: criteria provided, single submitter. Criteria: Invitae Variant Classification Sherloc (09022015). Collection method: clinical testing. Allele origin: germline.
Comment: This sequence change replaces proline, which is neutral and non-polar, with serine, which is neutral and polar, at codon 76 of the ERCC6L2 protein (p.Pro76Ser). This variant is present in population databases (no rsID available, gnomAD 0.002%). This variant has not been reported in the literature in individuals affected with ERCC6L2-related conditions. Algorithms developed to predict the effect of missense changes on protein structure and function are either unavailable or do not agree on the potential impact of this missense change (SIFT: "Tolerated"; PolyPhen-2: "Not Available"; Align-GVGD: "Class C0"). In summary, the available evidence is currently insufficient to determine the role of this variant in disease. Therefore, it has been classified as a Variant of Uncertain Significance.

NM_020207.7(ERCC6L2):c.193C>T (p.Pro65Ser)

Gene: ERCC6L2 (ERCC excision repair 6 like 2; plus strand). Cytogenetic location: 9q22.32.
Variant type: single nucleotide variant.
Coding change: c.193C>T on transcript NM_020207.7 (MANE Select); coding-DNA position 193, C replaced by T.
Protein change: p.Pro65Ser; replaces proline 65 with serine.
Molecular consequence: missense variant. On other transcripts: non-coding transcript variant (1).
Genome position (GRCh38, 1-based): chr9:95,881,015, C>T. VCF-style: chr9-95881015-C-T. GRCh37 (hg19) VCF-style: chr9-98643297-C-T.
Other names: c.193C>T, p.Pro65Ser (NM_001010895.4, NM_001375291.1, NM_001375292.1 and 2 more transcripts); short protein forms P65S.
Identifiers: ClinVar variation 1911247 (VCV001911247.6), dbSNP rs1410054209, ClinGen allele CA374117101.